The following is an entry in ClinVar:

NM_001009944.3(PKD1):c.9990C>T (p.Ser3330=)

Gene: PKD1 (polycystin 1, transient receptor potential channel interacting; minus strand). Cytogenetic location: 16p13.3.
Variant type: single nucleotide variant.
Coding change: c.9990C>T on transcript NM_001009944.3 (MANE Select); coding-DNA position 9990, C replaced by T.
Protein change: p.Ser3330=; no amino-acid change (serine 3330 retained).
Molecular consequence: synonymous variant.
Genome position (GRCh38, 1-based): chr16:2,099,704, G>A on the plus strand (C>T on the coding strand, the complement: PKD1 is on the minus strand). VCF-style: chr16-2099704-G-A. GRCh37 (hg19) VCF-style: chr16-2149705-G-A.
Other names: c.9990C>T, p.Ser3330= (NM_000296.4); c.9990C>T (NM_001009944.2).
Identifiers: ClinVar variation 997205 (VCV000997205.3), dbSNP rs770635587, ClinGen allele CA7829867.

ClinVar aggregate classification (germline): Likely benign. Review status: criteria provided, multiple submitters, no conflicts (2 of 4 stars). 3 submissions from 3 submitters: Likely benign (2). 1 of the submissions does not count toward it. Last evaluated 2026-07-09.

Conditions:
Polycystic kidney disease, adult type (PKD1). Also called: Polycystic Kidney, Autosomal Dominant; Polycystic Kidney Disease 1, Autosomal Dominant; Polycystic kidney disease 1; Polycystic kidney disease 1, severe; POLYCYSTIC KIDNEY DISEASE 1 WITH OR WITHOUT POLYCYSTIC LIVER DISEASE; POLYCYSTIC KIDNEY DISEASE, ADULT, TYPE I. Identifiers: MedGen C3149841, MONDO:0008263, OMIM 173900.
Polycystic kidney disease. Also called: Kidney, Polycystic; Polycystic kidney dysplasia. Identifiers: MedGen C0022680, MeSH D007690, MONDO:0020642, HP:0000113.
PKD1-related disorder. Also called: PKD1-related condition.

Allele frequency attached by ClinVar (database versions not stated): ExAC 0.00004; gnomAD 0.00005; gnomAD exomes 0.00007; TOPMed 0.00007.
gnomAD v4.1: 113 of 1,589,288 alleles (0.0071%); highest among the groups gnomAD compares: African/African-American, 0.011%; no homozygotes.

Submissions (3):

PreventionGenetics, part of Exact Sciences
Classification: Likely benign for PKD1-related condition. Last evaluated: 2026-07-09. Review status: criteria provided, single submitter. Criteria: ACMG Guidelines, 2015. Collection method: clinical testing. Allele origin: germline.
Comment: This variant is classified as likely benign based on ACMG/AMP sequence variant interpretation guidelines (Richards et al. 2015 PMID: 25741868, with internal and published modifications).

Fulgent Genetics
Classification: Likely benign for Polycystic kidney disease, adult type. Last evaluated: 2022-03-07. Review status: criteria provided, single submitter. Criteria: ACMG Guidelines, 2015. Collection method: clinical testing. Allele origin: unknown.

Department of Pathology and Laboratory Medicine, Sinai Health System
Classification: Likely benign for Polycystic Kidney disease. Review status: no assertion criteria provided. Collection method: clinical testing. Allele origin: unknown. Affected: yes. Study: The Canadian Open Genetics Repository (COGR). Not counted in ClinVar's aggregate classification.
Comment: The PKD1 p.Ser3330Ser variant was not identified in the literature nor was it identified in the ClinVar, GeneInsight-COGR, LOVD 3.0, ADPKD Mutation Database, PKD1-LOVD databases. The variant was identified in dbSNP (ID: rs770635587) as â€šÃ„ÃºNAâ€šÃ„Ã¹. The variant was identified in control databases in 12 of 159344 chromosomes at a frequency of 0.000075 (Genome Aggregation Database Feb 27, 2017). The variant was observed in the following populations: African in 1 of 7954 chromosomes (freq: 0.00013), Latino in 1 of 26014 chromosomes (freq: 0.000038), European Non-Finnish in 10 of 68566 chromosomes (freq: 0.00015), while the variant was not observed in the Other, Ashkenazi Jewish, East Asian, European Finnish, or South Asian populations. In addition we cannot be certain that data from control databases is specific to PKD1 and not from one of the six PKD1 pseudogenes. The p.Ser3330Ser variant is not expected to have clinical significance because it does not result in a change of amino acid and is not located in a known consensus splice site. In addition, in silico or computational prediction software programs (SpliceSiteFinder, MaxEntScan, NNSPLICE, GeneSplicer) do not predict a difference in splicing. In summary, based on the above information the clinical significance of this variant cannot be determined with certainty at this time although we would lean towards a more benign role for this variant. This variant is classified as likely benign.